The following is an entry in ClinVar:

NM_000135.4(FANCA):c.1504A>C (p.Lys502Gln)

Gene: FANCA (FA complementation group A; minus strand). Cytogenetic location: 16q24.3.
Variant type: single nucleotide variant.
Coding change: c.1504A>C on transcript NM_000135.4 (MANE Select); coding-DNA position 1504, A replaced by C.
Protein change: p.Lys502Gln; replaces lysine 502 with glutamine.
Molecular consequence: missense variant.
Genome position (GRCh38, 1-based): chr16:89,783,069, T>G on the plus strand (A>C on the coding strand, the complement: FANCA is on the minus strand). VCF-style: chr16-89783069-T-G. GRCh37 (hg19) VCF-style: chr16-89849477-T-G.
Other names: c.1504A>C, p.Lys502Gln (NM_001286167.3); short protein forms K502Q.
Identifiers: ClinVar variation 3512620 (VCV003512620.1).

ClinVar aggregate classification (germline): Uncertain significance (1 of 4 stars; one submission).

Conditions:
Inborn genetic diseases. Identifiers: MedGen C0950123, MeSH D030342.

Submission:

Ambry Genetics
Classification: Uncertain significance for Inborn genetic diseases. Last evaluated: 2024-10-05. Review status: criteria provided, single submitter. Criteria: Ambry Variant Classification Scheme 2023. Collection method: clinical testing. Allele origin: germline.
Comment: The p.K502Q variant (also known as c.1504A>C), located in coding exon 16 of the FANCA gene, results from an A to C substitution at nucleotide position 1504. The lysine at codon 502 is replaced by glutamine, an amino acid with similar properties. This amino acid position is conserved. In addition, the in silico prediction for this alteration is inconclusive. Based on the available evidence, the clinical significance of this variant remains unclear.